The following is an entry in ClinVar:

NM_178335.3(CCDC50):c.1261G>A (p.Ala421Thr)

Gene: CCDC50 (coiled-coil domain containing 50; plus strand). Cytogenetic location: 3q28.
Variant type: single nucleotide variant.
Coding change: c.1261G>A on transcript NM_178335.3 (MANE Select); coding-DNA position 1261, G replaced by A.
Protein change: p.Ala421Thr; replaces alanine 421 with threonine.
Molecular consequence: missense variant.
Genome position (GRCh38, 1-based): chr3:191,382,764, G>A. VCF-style: chr3-191382764-G-A. GRCh37 (hg19) VCF-style: chr3-191100553-G-A.
Other names: c.733G>A, p.Ala245Thr (NM_174908.4); short protein forms A245T, A421T.
Identifiers: ClinVar variation 2737513 (VCV002737513.3), dbSNP rs2474064431, ClinGen allele CA355767423.

ClinVar aggregate classification (germline): Uncertain significance (1 of 4 stars; one submission).

Allele frequency attached by ClinVar (database versions not stated): gnomAD exomes below 0.00001.

Submission:

Labcorp Genetics (formerly Invitae), Labcorp
Classification: Uncertain significance. Last evaluated: 2023-07-07. Review status: criteria provided, single submitter. Criteria: Invitae Variant Classification Sherloc (09022015). Collection method: clinical testing. Allele origin: germline.
Comment: This sequence change replaces alanine, which is neutral and non-polar, with threonine, which is neutral and polar, at codon 421 of the CCDC50 protein (p.Ala421Thr). This variant is not present in population databases (gnomAD no frequency). This variant has not been reported in the literature in individuals affected with CCDC50-related conditions. Algorithms developed to predict the effect of missense changes on protein structure and function output the following: SIFT: "Not Available"; PolyPhen-2: "Benign"; Align-GVGD: "Not Available". The threonine amino acid residue is found in multiple mammalian species, which suggests that this missense change does not adversely affect protein function. In summary, the available evidence is currently insufficient to determine the role of this variant in disease. Therefore, it has been classified as a Variant of Uncertain Significance.